The following is an entry in ClinVar:

NM_005732.4(RAD50):c.2174G>T (p.Arg725Leu)

Gene: RAD50 (RAD50 double strand break repair protein; plus strand). Cytogenetic location: 5q31.1.
Variant type: single nucleotide variant.
Coding change: c.2174G>T on transcript NM_005732.4 (MANE Select); coding-DNA position 2174, G replaced by T.
Protein change: p.Arg725Leu; replaces arginine 725 with leucine.
Molecular consequence: missense variant.
Genome position (GRCh38, 1-based): chr5:132,595,777, G>T. VCF-style: chr5-132595777-G-T. GRCh37 (hg19) VCF-style: chr5-131931469-G-T.
Other names: short protein forms R725L.
Identifiers: ClinVar variation 233285 (VCV000233285.5), dbSNP rs372808845, ClinGen allele CA10578554.

ClinVar aggregate classification (germline): Uncertain significance (1 of 4 stars; one submission).

Conditions:
Hereditary cancer-predisposing syndrome. Also called: Neoplastic Syndromes, Hereditary; Tumor predisposition; Hereditary Cancer Syndrome; Hereditary neoplastic syndrome. Identifiers: Orphanet 140162, MedGen C0027672, MeSH D009386, MONDO:0015356.

Submission:

Ambry Genetics
Classification: Uncertain significance for Hereditary cancer-predisposing syndrome. Last evaluated: 2015-08-05. Review status: criteria provided, single submitter. Criteria: Ambry Variant Classification Scheme 2023. Collection method: clinical testing. Allele origin: germline.
Comment: The p.R725L variant (also known as c.2174G>T), located in coding exon 13 of the RAD50 gene, results from a G to T substitution at nucleotide position 2174. The arginine at codon 725 is replaced by leucine, an amino acid with dissimilar properties. This variant was not reported in population based cohorts in the following databases: Database of Single Nucleotide Polymorphisms (dbSNP), NHLBI Exome Sequencing Project (ESP), and 1000 Genomes Project. In the ESP, this variant was not observed in 6503 samples (13006 alleles) with coverage at this position. To date, this alteration has been detected with an allele frequency of approximately 0.002% (greater than 65000 alleles tested) in our clinical cohort. This amino acid position is well conserved in available vertebrate species. In addition, this alteration is predicted to be tolerated by in silico analysis. Since supporting evidence is limited at this time, the clinical significance of p.R725L remains unclear.